The following is an entry in ClinVar:

ClinVar aggregate classification (germline): Conflicting classifications of pathogenicity. Review status: criteria provided, conflicting classifications (1 of 4 stars). 2 submissions from 2 submitters: Uncertain significance (1); Likely benign (1). Last evaluated 2022-04-08.

Conditions:
Haddad syndrome (OHD). Also called: Ondine-Hirschsprung disease. Identifiers: Orphanet 99803, MedGen C1859049, MONDO:0020493.
Hereditary cancer-predisposing syndrome. Also called: Neoplastic Syndromes, Hereditary; Tumor predisposition; Hereditary neoplastic syndrome; Hereditary Cancer Syndrome. Identifiers: Orphanet 140162, MedGen C0027672, MeSH D009386, MONDO:0015356.

Allele frequency attached by ClinVar (database versions not stated): ExAC 0.00001; gnomAD exomes 0.00001.
gnomAD v4.1: 2 of 1,613,398 alleles (0.00012%); highest among the groups gnomAD compares: South Asian, 0.0022%; no homozygotes.

Submissions (2):

Ambry Genetics
Classification: Likely benign for Hereditary cancer-predisposing syndrome. Last evaluated: 2022-04-08. Review status: criteria provided, single submitter. Criteria: Ambry Variant Classification Scheme 2023. Collection method: clinical testing. Allele origin: germline.

Labcorp Genetics (formerly Invitae), Labcorp
Classification: Uncertain significance for Haddad syndrome. Last evaluated: 2021-04-28. Review status: criteria provided, single submitter. Criteria: Invitae Variant Classification Sherloc (09022015). Collection method: clinical testing. Allele origin: germline.
Comment: In summary, the available evidence is currently insufficient to determine the role of this variant in disease. Therefore, it has been classified as a Variant of Uncertain Significance. This variant has not been reported in the literature in individuals with PHOX2B-related disease. This variant is present in population databases (rs774521395, ExAC 0.006%). This sequence change replaces alanine with valine at codon 166 of the PHOX2B protein (p.Ala166Val). The alanine residue is highly conserved and there is a small physicochemical difference between alanine and valine.

NM_003924.4(PHOX2B):c.497C>T (p.Ala166Val)

Gene: PHOX2B (paired like homeobox 2B; minus strand). Cytogenetic location: 4p13.
Variant type: single nucleotide variant.
Coding change: c.497C>T on transcript NM_003924.4 (MANE Select); coding-DNA position 497, C replaced by T.
Protein change: p.Ala166Val; replaces alanine 166 with valine.
Molecular consequence: missense variant.
Genome position (GRCh38, 1-based): chr4:41,746,255, G>A on the plus strand (C>T on the coding strand, the complement: PHOX2B is on the minus strand). VCF-style: chr4-41746255-G-A. GRCh37 (hg19) VCF-style: chr4-41748272-G-A.
Other names: short protein forms A166V.
Identifiers: ClinVar variation 566918 (VCV000566918.12), dbSNP rs774521395, ClinGen allele CA2901487.